The following is an entry in ClinVar:

NM_052813.5(CARD9):c.37G>A (p.Val13Ile)

Gene: CARD9 (caspase recruitment domain family member 9; minus strand). Cytogenetic location: 9q34.3.
Variant type: single nucleotide variant.
Coding change: c.37G>A on transcript NM_052813.5 (MANE Select); coding-DNA position 37, G replaced by A.
Protein change: p.Val13Ile; replaces valine 13 with isoleucine.
Molecular consequence: missense variant.
Genome position (GRCh38, 1-based): chr9:136,372,042, C>T on the plus strand (G>A on the coding strand, the complement: CARD9 is on the minus strand). VCF-style: chr9-136372042-C-T. GRCh37 (hg19) VCF-style: chr9-139266494-C-T.
Other names: c.37G>A, p.Val13Ile (NM_052814.4); short protein forms V13I.
Identifiers: ClinVar variation 1443421 (VCV001443421.7), dbSNP rs377431254, ClinGen allele CA5333264.

ClinVar aggregate classification (germline): Uncertain significance (1 of 4 stars; one submission).

Conditions:
Predisposition to invasive fungal disease due to CARD9 deficiency (IMD103). Also called: CARD9 IMMUNODEFICIENCY; Candidiasis, familial, 2, autosomal recessive; IMMUNODEFICIENCY 103, SUSCEPTIBILITY TO FUNGAL INFECTIONS. Identifiers: Orphanet 457088, MedGen C1859353, MONDO:0008905, OMIM 212050.

Allele frequency attached by ClinVar (database versions not stated): gnomAD 0.00001 and 0.00002; gnomAD exomes 0.00001; ExAC 0.00002; ESP Exome Variant Server 0.00008.
gnomAD v4.1: 13 of 1,612,664 alleles (0.00081%); highest among the groups gnomAD compares: East Asian, 0.0022%; no homozygotes.

Submission:

Labcorp Genetics (formerly Invitae), Labcorp
Classification: Uncertain significance for Predisposition to invasive fungal disease due to CARD9 deficiency. Last evaluated: 2022-11-22. Review status: criteria provided, single submitter. Criteria: Invitae Variant Classification Sherloc (09022015). Collection method: clinical testing. Allele origin: germline.
Comment: ClinVar contains an entry for this variant (Variation ID: 1443421). In summary, the available evidence is currently insufficient to determine the role of this variant in disease. Therefore, it has been classified as a Variant of Uncertain Significance. Advanced modeling of protein sequence and biophysical properties (such as structural, functional, and spatial information, amino acid conservation, physicochemical variation, residue mobility, and thermodynamic stability) performed at Invitae indicates that this missense variant is not expected to disrupt CARD9 protein function. This variant has not been reported in the literature in individuals affected with CARD9-related conditions. This variant is present in population databases (rs377431254, gnomAD 0.003%). This sequence change replaces valine, which is neutral and non-polar, with isoleucine, which is neutral and non-polar, at codon 13 of the CARD9 protein (p.Val13Ile).